The following is an entry in ClinVar:

ClinVar aggregate classification (germline): Uncertain significance (1 of 4 stars; one submission).

Conditions:
Bardet-Biedl syndrome (BBS). Identifiers: Orphanet 110, MedGen C0752166, MONDO:0015229.

Allele frequency attached by ClinVar (database versions not stated): gnomAD exomes 0.00001; TOPMed below 0.00001; ExAC 0.00001.
gnomAD v4.1: 8 of 1,613,790 alleles (0.0005%); highest among the groups gnomAD compares: Admixed American, 0.0017%; no homozygotes.

Submissions (2):

Labcorp Genetics (formerly Invitae), Labcorp
Classification: Uncertain significance for Bardet-Biedl syndrome. Last evaluated: 2022-06-03. Review status: criteria provided, single submitter. Criteria: Invitae Variant Classification Sherloc (09022015). Collection method: clinical testing. Allele origin: germline.
Comment: This sequence change replaces arginine, which is basic and polar, with glutamine, which is neutral and polar, at codon 48 of the BBS2 protein (p.Arg48Gln). This variant is present in population databases (rs775577429, gnomAD 0.003%). This variant has not been reported in the literature in individuals affected with BBS2-related conditions. ClinVar contains an entry for this variant (Variation ID: 1361332). Algorithms developed to predict the effect of missense changes on protein structure and function are either unavailable or do not agree on the potential impact of this missense change (SIFT: "Tolerated"; PolyPhen-2: "Possibly Damaging"; Align-GVGD: "Class C0"). Algorithms developed to predict the effect of sequence changes on RNA splicing suggest that this variant may create or strengthen a splice site. In summary, the available evidence is currently insufficient to determine the role of this variant in disease. Therefore, it has been classified as a Variant of Uncertain Significance.

Dr. Peter K. Rogan Lab, Western University
No classification provided (evidence only). Condition: Thyroid cancer, nonmedullary, 1. Review status: no classification provided. Collection method: in vitro. Allele origin: not applicable. Functional consequence: retained intron. Not counted in ClinVar's aggregate classification.

NM_031885.5(BBS2):c.143G>A (p.Arg48Gln)

Gene: BBS2 (Bardet-Biedl syndrome 2; minus strand). Cytogenetic location: 16q13.
Variant type: single nucleotide variant.
Coding change: c.143G>A on transcript NM_031885.5 (MANE Select); coding-DNA position 143, G replaced by A.
Protein change: p.Arg48Gln; replaces arginine 48 with glutamine.
Molecular consequence: missense variant. On other transcripts: non-coding transcript variant (5).
Genome position (GRCh38, 1-based): chr16:56,514,655, C>T on the plus strand (G>A on the coding strand, the complement: BBS2 is on the minus strand). VCF-style: chr16-56514655-C-T. GRCh37 (hg19) VCF-style: chr16-56548567-C-T.
Other names: c.143G>A, p.Arg48Gln (NM_001377456.1); short protein forms R48Q.
Identifiers: ClinVar variation 1361332 (VCV001361332.4), dbSNP rs775577429, ClinGen allele CA8066102.